The following is an entry in ClinVar:

ClinVar aggregate classification (germline): Uncertain significance (1 of 4 stars; one submission).

Allele frequency attached by ClinVar (database versions not stated): gnomAD exomes below 0.00001.
gnomAD v4.1: 1 of 1,613,808 alleles (0.000062%); highest among the groups gnomAD compares: Non-Finnish European, 0.000085%; no homozygotes.

Submission:

Labcorp Genetics (formerly Invitae), Labcorp
Classification: Uncertain significance. Last evaluated: 2024-10-22. Review status: criteria provided, single submitter. Criteria: Invitae Variant Classification Sherloc (09022015). Collection method: clinical testing. Allele origin: germline.
Comment: This sequence change replaces serine, which is neutral and polar, with asparagine, which is neutral and polar, at codon 58 of the MCPH1 protein (p.Ser58Asn). This variant is not present in population databases (gnomAD no frequency). This variant has not been reported in the literature in individuals affected with MCPH1-related conditions. ClinVar contains an entry for this variant (Variation ID: 1910398). An algorithm developed to predict the effect of missense changes on protein structure and function (PolyPhen-2) suggests that this variant is likely to be disruptive. In summary, the available evidence is currently insufficient to determine the role of this variant in disease. Therefore, it has been classified as a Variant of Uncertain Significance.

NM_024596.5(MCPH1):c.173G>A (p.Ser58Asn)

Gene: MCPH1 (microcephalin 1; plus strand). Cytogenetic location: 8p23.1.
Variant type: single nucleotide variant.
Coding change: c.173G>A on transcript NM_024596.5 (MANE Select); coding-DNA position 173, G replaced by A.
Protein change: p.Ser58Asn; replaces serine 58 with asparagine.
Molecular consequence: missense variant. On other transcripts: non-coding transcript variant (1).
Genome position (GRCh38, 1-based): chr8:6,414,823, G>A. VCF-style: chr8-6414823-G-A. GRCh37 (hg19) VCF-style: chr8-6272344-G-A.
Other names: c.167G>A, p.Ser56Asn (NM_001322043.2); c.71G>A, p.Ser24Asn (NM_001322045.2); c.173G>A, p.Ser58Asn (NM_001363979.1, NM_001363980.2, NM_001172574.2 and 4 more transcripts); short protein forms S24N, S56N, S58N.
Identifiers: ClinVar variation 1910398 (VCV001910398.5), dbSNP rs1799031304, ClinGen allele CA370216032.